The following is an entry in ClinVar:

ClinVar aggregate classification (germline): Uncertain significance (0 of 4 stars; one submission).

Conditions:
FREM1-related disorder. Also called: FREM1-related condition; FREM1-Related Disorders.

gnomAD v4.1: 1 of 1,614,004 alleles (0.000062%); highest among the groups gnomAD compares: Non-Finnish European, 0.000085%; no homozygotes.

Submission:

PreventionGenetics, part of Exact Sciences
Classification: Uncertain significance for FREM1-related condition. Last evaluated: 2024-05-05. Review status: no assertion criteria provided. Collection method: clinical testing. Allele origin: germline.
Comment: The FREM1 c.1562C>T variant is predicted to result in the amino acid substitution p.Pro521Leu. To our knowledge, this variant has not been reported in the literature or in a large population database, indicating this variant is rare. At this time, the clinical significance of this variant is uncertain due to the absence of conclusive functional and genetic evidence.

NM_001379081.2(FREM1):c.1562C>T (p.Pro521Leu)

Gene: FREM1 (FRAS1 related extracellular matrix 1; minus strand). Cytogenetic location: 9p22.3.
Variant type: single nucleotide variant.
Coding change: c.1562C>T on transcript NM_001379081.2 (MANE Select); coding-DNA position 1562, C replaced by T.
Protein change: p.Pro521Leu; replaces proline 521 with leucine.
Molecular consequence: missense variant. On other transcripts: non-coding transcript variant (2).
Genome position (GRCh38, 1-based): chr9:14,842,492, G>A on the plus strand (C>T on the coding strand, the complement: FREM1 is on the minus strand). VCF-style: chr9-14842492-G-A. GRCh37 (hg19) VCF-style: chr9-14842490-G-A.
Other names: c.1562C>T, p.Pro521Leu (NM_144966.7); short protein forms P521L.
Identifiers: ClinVar variation 3344268 (VCV003344268.1).